The following is an entry in ClinVar:

ClinVar aggregate classification (germline): Uncertain significance (1 of 4 stars; one submission).

Conditions:
Familial thoracic aortic aneurysm and aortic dissection (TAAD). Also called: Thoracic aortic aneurysms and dissections. Identifiers: Orphanet 91387, MedGen C4707243, MONDO:0019625.

Submission:

Ambry Genetics
Classification: Uncertain significance for Familial thoracic aortic aneurysm and aortic dissection. Last evaluated: 2026-05-07. Review status: criteria provided, single submitter. Criteria: Ambry Variant Classification Scheme 2023. Collection method: clinical testing. Allele origin: germline.
Comment: The c.7641delC variant, located in coding exon 34 of the NOTCH1 gene, results from a deletion of one nucleotide at nucleotide position 7641, causing a translational frameshift with a predicted alternate stop codon (p.I2547Mfs*42). This variant occurs at the 3' terminus of the gene, is not expected to trigger nonsense-mediated mRNAdecay and results in the elongation of the protein by 32 amino acids. This frameshift impacts the last 9amino acids of the native protein. The exact functional effect of the altered amino acids is unknown. Based on the available evidence, the clinical significance of this variant remains unclear.

NM_017617.5(NOTCH1):c.7641del (p.Ile2547fs)

Gene: NOTCH1 (notch receptor 1; minus strand). Cytogenetic location: 9q34.3.
Variant type: Deletion.
Coding change: c.7641del on transcript NM_017617.5 (MANE Select); coding-DNA position 7641, one base deleted (C; older notation c.7641delC).
Protein change: p.Ile2547fs; shifts the reading frame from isoleucine 2547.
Molecular consequence: frameshift variant.
Genome position (GRCh38, 1-based): chr9:136,496,098, G deleted on the plus strand (C on the coding strand, the reverse complement: NOTCH1 is on the minus strand). VCF-style (leftmost placement, unchanged base first): chr9-136496097-CG-C. GRCh37 (hg19) VCF-style: chr9-139390549-CG-C.
Other names: short protein forms I2547fs.
Identifiers: ClinVar variation 4861113 (VCV004861113.1).